The following is an entry in ClinVar:

ClinVar aggregate classification (germline): Likely benign (1 of 4 stars; one submission).

Allele frequency attached by ClinVar (database versions not stated): gnomAD 0.00003; TOPMed 0.00003; ExAC 0.00004.

Submission:

CeGaT Center for Human Genetics Tuebingen
Classification: Likely benign. Last evaluated: 2023-08-01. Review status: criteria provided, single submitter. Criteria: CeGaT Center For Human Genetics Tuebingen Variant Classification Criteria Version 2. Collection method: clinical testing. Allele origin: germline. Affected: yes. Observed: 1 variant allele.
Comment: DALRD3: BP4, BP7

NM_001009996.3(DALRD3):c.420G>A (p.Val140=)

Gene: DALRD3 (DALR anticodon binding domain containing 3; minus strand). Cytogenetic location: 3p21.31.
Variant type: single nucleotide variant.
Coding change: c.420G>A on transcript NM_001009996.3 (MANE Select); coding-DNA position 420, G replaced by A.
Protein change: p.Val140=; no amino-acid change (valine 140 retained).
Molecular consequence: synonymous variant. On other transcripts: 5 prime UTR variant (1).
Genome position (GRCh38, 1-based): chr3:49,018,064, C>T on the plus strand (G>A on the coding strand, the complement: DALRD3 is on the minus strand). VCF-style: chr3-49018064-C-T. GRCh37 (hg19) VCF-style: chr3-49055497-C-T.
Other names: c.420G>A, p.Val140= (NM_001276405.2); c.-82G>A (NM_018114.6).
Identifiers: ClinVar variation 2578944 (VCV002578944.25), dbSNP rs777652063, ClinGen allele CA2389968.